The following is an entry in ClinVar:

NM_003036.4(SKI):c.752G>A (p.Arg251His)

Gene: SKI (SKI proto-oncogene; plus strand). Cytogenetic location: 1p36.33.
Variant type: single nucleotide variant.
Coding change: c.752G>A on transcript NM_003036.4 (MANE Select); coding-DNA position 752, G replaced by A.
Protein change: p.Arg251His; replaces arginine 251 with histidine.
Molecular consequence: missense variant.
Genome position (GRCh38, 1-based): chr1:2,229,518, G>A. VCF-style: chr1-2229518-G-A. GRCh37 (hg19) VCF-style: chr1-2160957-G-A.
Other names: short protein forms R251H.
Identifiers: ClinVar variation 4805655 (VCV004805655.1).

ClinVar aggregate classification (germline): Uncertain significance (1 of 4 stars; one submission).

Conditions:
Shprintzen-Goldberg syndrome (SGS). Also called: Marfanoid disorder with craniosynostosis type 1; Marfanoid craniosynostosis syndrome; Shprintzen-Goldberg marfanoid syndrome; SHPRINTZEN-GOLDBERG CRANIOSYNOSTOSIS SYNDROME; CRANIOSYNOSTOSIS WITH ARACHNODACTYLY AND ABDOMINAL HERNIAS. Identifiers: Orphanet 2462, MedGen C1321551, MONDO:0008426, OMIM 182212.

Submission:

Labcorp Genetics (formerly Invitae), Labcorp
Classification: Uncertain significance for Shprintzen-Goldberg syndrome. Last evaluated: 2025-12-13. Review status: criteria provided, single submitter. Criteria: Invitae Variant Classification Sherloc (09022015). Collection method: clinical testing. Allele origin: germline.
Comment: This sequence change replaces arginine, which is basic and polar, with histidine, which is basic and polar, at codon 251 of the SKI protein (p.Arg251His). The frequency data for this variant in the population databases is considered unreliable, as metrics indicate poor data quality at this position in the gnomAD database. This variant has not been reported in the literature in individuals affected with SKI-related conditions. Invitae Evidence Modeling of protein sequence and biophysical properties (such as structural, functional, and spatial information, amino acid conservation, physicochemical variation, residue mobility, and thermodynamic stability) indicates that this missense variant is not expected to disrupt SKI protein function with a negative predictive value of 95%. In summary, the available evidence is currently insufficient to determine the role of this variant in disease. Therefore, it has been classified as a Variant of Uncertain Significance.